The following is an entry in ClinVar:

NM_014239.4(EIF2B2):c.310G>A (p.Asp104Asn)

Gene: EIF2B2 (eukaryotic translation initiation factor 2B subunit beta; plus strand). Cytogenetic location: 14q24.3.
Variant type: single nucleotide variant.
Coding change: c.310G>A on transcript NM_014239.4 (MANE Select); coding-DNA position 310, G replaced by A.
Protein change: p.Asp104Asn; replaces aspartic acid 104 with asparagine.
Molecular consequence: missense variant.
Genome position (GRCh38, 1-based): chr14:75,003,576, G>A. VCF-style: chr14-75003576-G-A. GRCh37 (hg19) VCF-style: chr14-75470279-G-A.
Other names: short protein forms D104N.
Identifiers: ClinVar variation 1465399 (VCV001465399.8), dbSNP rs1388931403, ClinGen allele CA390424319.
Genomic context (GRCh38, chr14:75,003,576, plus strand): 5'-CCCACCTCTCTCTTTGGGTCTTGTTGCCTCTATAGACTCCATGGACGCAGCGACGAGAGT[G>A]ATCAGCAGGAGTCCCTGCACAAACTGTTGACATCCGGAGGCCTAAACGAGGATTTCAGCT-3'
Protein context (NP_055054.1, residues 94-114): GRLHGRSDES[Asp104Asn]QQESLHKLLT

ClinVar aggregate classification (germline): Uncertain significance (1 of 4 stars; one submission).

Submission:

Labcorp Genetics (formerly Invitae), Labcorp
Classification: Uncertain significance. Last evaluated: 2022-08-23. Review status: criteria provided, single submitter. Criteria: Invitae Variant Classification Sherloc (09022015). Collection method: clinical testing. Allele origin: germline.
Comment: In summary, the available evidence is currently insufficient to determine the role of this variant in disease. Therefore, it has been classified as a Variant of Uncertain Significance. Algorithms developed to predict the effect of missense changes on protein structure and function (SIFT, PolyPhen-2, Align-GVGD) all suggest that this variant is likely to be tolerated. ClinVar contains an entry for this variant (Variation ID: 1465399). This variant has not been reported in the literature in individuals affected with EIF2B2-related conditions. This variant is not present in population databases (gnomAD no frequency). This sequence change replaces aspartic acid, which is acidic and polar, with asparagine, which is neutral and polar, at codon 104 of the EIF2B2 protein (p.Asp104Asn).